The following is an entry in ClinVar:

NM_032043.3(BRIP1):c.379+3A>C

Gene: BRIP1 (BRCA1 interacting DNA helicase 1; minus strand). Cytogenetic location: 17q23.2.
Variant type: single nucleotide variant.
Coding change: c.379+3A>C on transcript NM_032043.3 (MANE Select); 3 bases into the intron after coding-DNA position 379, A replaced by C.
Molecular consequence: intron variant.
Genome position (GRCh38, 1-based): chr17:61,857,055, T>G on the plus strand (A>C on the coding strand, the complement: BRIP1 is on the minus strand). VCF-style: chr17-61857055-T-G. GRCh37 (hg19) VCF-style: chr17-59934416-T-G.
Identifiers: ClinVar variation 3825664 (VCV003825664.1).

ClinVar aggregate classification (germline): Uncertain significance (1 of 4 stars; one submission).

Conditions:
Hereditary cancer-predisposing syndrome. Also called: Hereditary neoplastic syndrome; Neoplastic Syndromes, Hereditary; Tumor predisposition; Hereditary Cancer Syndrome. Identifiers: Orphanet 140162, MedGen C0027672, MeSH D009386, MONDO:0015356.

Submission:

Ambry Genetics
Classification: Uncertain significance for Hereditary cancer-predisposing syndrome. Last evaluated: 2024-12-13. Review status: criteria provided, single submitter. Criteria: Ambry Variant Classification Scheme 2023. Collection method: clinical testing. Allele origin: germline.
Comment: The c.379+3A>C intronic variant results from an A to C substitution 3 nucleotides after coding exon 3 in the BRIP1 gene. This nucleotide position is highly conserved in available vertebrate species. In silico splice site analysis predicts that this alteration will result in the creation or strengthening of a novel splice donor site. Based on the available evidence, the clinical significance of this variant remains unclear.